The following is an entry in ClinVar:

NM_000255.4(MMUT):c.2008G>C (p.Gly670Arg)

Gene: MMUT (methylmalonyl-CoA mutase; minus strand). Cytogenetic location: 6p12.3.
Variant type: single nucleotide variant.
Coding change: c.2008G>C on transcript NM_000255.4 (MANE Select); coding-DNA position 2008, G replaced by C.
Protein change: p.Gly670Arg; replaces glycine 670 with arginine.
Molecular consequence: missense variant.
Genome position (GRCh38, 1-based): chr6:49,435,572, C>G on the plus strand (G>C on the coding strand, the complement: MMUT is on the minus strand). VCF-style: chr6-49435572-C-G. GRCh37 (hg19) VCF-style: chr6-49403285-C-G.
Other names: c.2008G>C (NM_000255.3); short protein forms G670R.
Identifiers: ClinVar variation 2734885 (VCV002734885.4), dbSNP rs2481301140, ClinGen allele CA364394550.
Genomic context (GRCh38, chr6:49,435,572, plus strand): 5'-TAAGTTCTTTGATGAGTTCAGGAACTAGGGTTTTATGACCAGCAGCGAGGGTGCTTATGC[C>G]CACAGCATGCACATCCGCATCCACAGCCTGCTGGGCCACTTCACGAGGAGTCTAAACAGT-3'
Protein context (NP_000246.2, residues 660-680): QAVDADVHAV[Gly670Arg]ISTLAAGHKT

ClinVar aggregate classification (germline): Likely pathogenic. Review status: criteria provided, multiple submitters, no conflicts (2 of 4 stars). 2 submissions from 2 submitters: Likely pathogenic (2). Last evaluated 2025-08-01.

Conditions:
Methylmalonic aciduria due to complete methylmalonyl-CoA mutase deficiency.

Allele frequency attached by ClinVar (database versions not stated): gnomAD exomes below 0.00001.
gnomAD v4.1: 1 of 1,613,994 alleles (0.000062%); highest among the groups gnomAD compares: Non-Finnish European, 0.000085%; no homozygotes.

Submissions (2):

Labcorp Genetics (formerly Invitae), Labcorp
Classification: Likely pathogenic. Last evaluated: 2025-08-01. Review status: criteria provided, single submitter. Criteria: Invitae Variant Classification Sherloc (09022015). Collection method: clinical testing. Allele origin: germline.
Comment: This sequence change replaces glycine, which is neutral and non-polar, with arginine, which is basic and polar, at codon 670 of the MUT protein (p.Gly670Arg). This variant is not present in population databases (gnomAD no frequency). This missense change has been observed in individual(s) with methylmalonic acidemia (PMID: 22614770). ClinVar contains an entry for this variant (Variation ID: 2734885). Invitae Evidence Modeling of protein sequence and biophysical properties (such as structural, functional, and spatial information, amino acid conservation, physicochemical variation, residue mobility, and thermodynamic stability) indicates that this missense variant is expected to disrupt MUT protein function with a positive predictive value of 95%. This variant disrupts the p.Gly670 amino acid residue in MUT. Other variant(s) that disrupt this residue have been observed in individuals with MUT-related conditions (PMID: 22614770, 32719376, 33413471), which suggests that this may be a clinically significant amino acid residue. In summary, the currently available evidence indicates that the variant is pathogenic, but additional data are needed to prove that conclusively. Therefore, this variant has been classified as Likely Pathogenic.

Natera, Inc.
Classification: Likely pathogenic for Methylmalonic aciduria due to complete methylmalonyl-CoA mutase deficiency. Last evaluated: 2024-10-03. Review status: criteria provided, single submitter. Criteria: Natera Variant Classification Schema (03/2026). Collection method: clinical testing. Allele origin: germline.
Comment: The c.2008G>C variant in MMUT is a missense variant predicted to cause substitution of glycine to arginine at amino acid 670. This variant is rare in the general population with a frequency below the threshold expected for the associated phenotype(s). This variant has been observed in one or more individuals affected with the associated recessive disease, as either homozygous or compound heterozygous with a second variant (PMID: 21048060). A different variant at the same position has been determined to be Pathogenic or Likely Pathogenic. Computational prediction algorithms indicate this variant is likely to affect gene or protein function. Given the available evidence, this variant is classified as Likely Pathogenic.

Literature cited by the submitters: PubMed 22614770 (cited by Labcorp Genetics (formerly Invitae), Labcorp); PubMed 32719376 (cited by Labcorp Genetics (formerly Invitae), Labcorp); PubMed 33413471 (cited by Labcorp Genetics (formerly Invitae), Labcorp); PubMed 21048060 (cited by Natera, Inc.).